The following is an entry in ClinVar:

NM_001386885.1(APOL4):c.544G>T (p.Ala182Ser)

Gene: APOL4 (apolipoprotein L4; minus strand). Cytogenetic location: 22q12.3.
Variant type: single nucleotide variant.
Coding change: c.544G>T on transcript NM_001386885.1 (MANE Select); coding-DNA position 544, G replaced by T.
Protein change: p.Ala182Ser; replaces alanine 182 with serine.
Molecular consequence: missense variant.
Genome position (GRCh38, 1-based): chr22:36,191,578, C>A on the plus strand (G>T on the coding strand, the complement: APOL4 is on the minus strand). VCF-style: chr22-36191578-C-A. GRCh37 (hg19) VCF-style: chr22-36587626-C-A.
Other names: c.544G>T, p.Ala182Ser (NM_030643.4); c.553G>T, p.Ala185Ser (NM_145660.2); short protein forms A182S, A185S.
Identifiers: ClinVar variation 4821418 (VCV004821418.4).

ClinVar aggregate classification (germline): Likely benign (1 of 4 stars; one submission).

gnomAD v4.1: 476 of 1,613,656 alleles (0.029%); highest among the groups gnomAD compares: African/African-American, 0.58%; 2 homozygotes.

Submission:

CeGaT Center for Human Genetics Tuebingen
Classification: Likely benign. Last evaluated: 2026-03-01. Review status: criteria provided, single submitter. Criteria: CeGaT Center For Human Genetics Tuebingen Variant Classification Criteria Version 2. Collection method: clinical testing. Allele origin: germline. Affected: yes. Observed: 1 variant allele.
Comment: APOL4: BP4